The following is an entry in ClinVar:

NM_000015.3(NAT2):c.246C>T (p.Ile82=)

Gene: NAT2 (N-acetyltransferase 2; plus strand). Cytogenetic location: 8p22.
Variant type: single nucleotide variant.
Coding change: c.246C>T on transcript NM_000015.3 (MANE Select); coding-DNA position 246, C replaced by T.
Protein change: p.Ile82=; no amino-acid change (isoleucine 82 retained).
Molecular consequence: synonymous variant.
Genome position (GRCh38, 1-based): chr8:18,400,249, C>T. VCF-style: chr8-18400249-C-T. GRCh37 (hg19) VCF-style: chr8-18257759-C-T.
Identifiers: ClinVar variation 3034766 (VCV003034766.2), dbSNP rs751374116, ClinGen allele CA4651576.
Genomic context (GRCh38, chr8:18,400,249, plus strand): 5'-AAACCGGGGTGGGTGGTGTCTCCAGGTCAATCAACTTCTGTACTGGGCTCTGACCACAAT[C>T]GGTTTTCAGACCACAATGTTAGGAGGGTATTTTTACATCCCTCCAGTTAACAAATACAGC-3'
Protein context (NP_000006.2, residues 72-92): NQLLYWALTT[Ile82=]GFQTTMLGGY

ClinVar aggregate classification (germline): Likely benign (0 of 4 stars; one submission).

Conditions:
NAT2-related disorder. Also called: NAT2-related condition.

Allele frequency attached by ClinVar (database versions not stated): gnomAD 0.00002; ExAC 0.00003; TOPMed 0.00003.

Submission:

PreventionGenetics, part of Exact Sciences
Classification: Likely benign for NAT2-related condition. Last evaluated: 2019-08-09. Review status: no assertion criteria provided. Collection method: clinical testing. Allele origin: germline.
Comment: This variant is classified as likely benign based on ACMG/AMP sequence variant interpretation guidelines (Richards et al. 2015 PMID: 25741868, with internal and published modifications).